The following is an entry in ClinVar:

ClinVar aggregate classification (germline): Likely benign. Review status: criteria provided, multiple submitters, no conflicts (2 of 4 stars). 2 submissions from 2 submitters: Likely benign (2). Last evaluated 2026-06-17.

Conditions:
CFAP410-related disorder. Also called: CFAP410-related condition.

Allele frequency attached by ClinVar (database versions not stated): gnomAD 0.00001; TOPMed 0.00002; ExAC 0.00004; gnomAD exomes 0.00005.
gnomAD v4.1: 74 of 1,602,266 alleles (0.0046%); highest among the groups gnomAD compares: Middle Eastern, 0.017%; no homozygotes.

Submissions (2):

PreventionGenetics, part of Exact Sciences
Classification: Likely benign for CFAP410-related condition. Last evaluated: 2026-06-17. Review status: criteria provided, single submitter. Criteria: ACMG Guidelines, 2015. Collection method: clinical testing. Allele origin: germline.
Comment: This variant is classified as likely benign based on ACMG/AMP sequence variant interpretation guidelines (Richards et al. 2015 PMID: 25741868, with internal and published modifications).

Labcorp Genetics (formerly Invitae), Labcorp
Classification: Likely benign. Last evaluated: 2023-07-06. Review status: criteria provided, single submitter. Criteria: Invitae Variant Classification Sherloc (09022015). Collection method: clinical testing. Allele origin: germline.

NM_004928.3(CFAP410):c.643-19C>T

Gene: CFAP410 (cilia and flagella associated protein 410; minus strand). Cytogenetic location: 21q22.3.
Variant type: single nucleotide variant.
Coding change: c.643-19C>T on transcript NM_004928.3 (MANE Select); 19 bases into the intron before coding-DNA position 643, C replaced by T.
Molecular consequence: intron variant.
Genome position (GRCh38, 1-based): chr21:44,330,345, G>A on the plus strand (C>T on the coding strand, the complement: CFAP410 is on the minus strand). VCF-style: chr21-44330345-G-A. GRCh37 (hg19) VCF-style: chr21-45750228-G-A.
Other names: c.643-19C>T (NM_004928.2); c.640-19C>T (NM_001271440.2); c.1000-19C>T (NM_001271441.2); c.517-19C>T (NM_001271442.1).
Identifiers: ClinVar variation 1963076 (VCV001963076.6), dbSNP rs755462234, ClinGen allele CA10053498.